The following is an entry in ClinVar:

ClinVar aggregate classification (germline): Benign. Review status: criteria provided, multiple submitters, no conflicts (2 of 4 stars). 3 submissions from 3 submitters: Benign (3). Last evaluated 2026-02-02.

Conditions:
Congenital stationary night blindness 1E. Also called: Night blindness, congenital stationary (complete), 1E, autosomal recessive. Identifiers: Orphanet 215, MedGen C3281215, MONDO:0013807, OMIM 614565.

Allele frequency attached by ClinVar (database versions not stated): gnomAD exomes 0.00205; ExAC 0.00263; ESP Exome Variant Server 0.00781; gnomAD 0.00812; TOPMed 0.00821; 1000 Genomes Project 30x 0.01015; 1000 Genomes Project 0.01058.

Submissions (3):

Labcorp Genetics (formerly Invitae), Labcorp
Classification: Benign. Last evaluated: 2026-02-02. Review status: criteria provided, single submitter. Criteria: Invitae Variant Classification Sherloc (09022015). Collection method: clinical testing. Allele origin: germline.

Illumina Laboratory Services, Illumina
Classification: Benign for Congenital stationary night blindness 1E. Last evaluated: 2018-01-13. Review status: criteria provided, single submitter. Criteria: ICSL Variant Classification Criteria 13 December 2019. Collection method: clinical testing. Allele origin: germline.
Comment: This variant was observed in the ICSL laboratory as part of a predisposition screen in an ostensibly healthy population. It had not been previously curated by ICSL or reported in the Human Gene Mutation Database (HGMD: prior to June 1st, 2018), and was therefore a candidate for classification through an automated scoring system. Utilizing variant allele frequency, disease prevalence and penetrance estimates, and inheritance mode, an automated score was calculated to assess if this variant is too frequent to cause the disease. Based on the score and internal cut-off values, a variant classified as benign is not then subjected to further curation. The score for this variant resulted in a classification of benign for this disease.

Breakthrough Genomics
Classification: Benign. Review status: criteria provided, single submitter. Criteria: ACMG Guidelines, 2015. Collection method: not provided. Allele origin: germline. Inheritance: Autosomal recessive inheritance. Affected: yes.

NM_001004334.4(GPR179):c.3979G>A (p.Asp1327Asn)

Gene: GPR179 (G protein-coupled receptor 179; minus strand). Cytogenetic location: 17q12.
Variant type: single nucleotide variant.
Coding change: c.3979G>A on transcript NM_001004334.4 (MANE Select); coding-DNA position 3979, G replaced by A.
Protein change: p.Asp1327Asn; replaces aspartic acid 1327 with asparagine.
Molecular consequence: missense variant.
Genome position (GRCh38, 1-based): chr17:38,329,590, C>T on the plus strand (G>A on the coding strand, the complement: GPR179 is on the minus strand). VCF-style: chr17-38329590-C-T. GRCh37 (hg19) VCF-style: chr17-36485473-C-T.
Other names: short protein forms D1327N.
Identifiers: ClinVar variation 322987 (VCV000322987.14), dbSNP rs112195635, ClinGen allele CA10639547.